The following is an entry in ClinVar:

NM_000256.3(MYBPC3):c.3297dup (p.Tyr1100fs)

Gene: MYBPC3 (myosin binding protein C3; minus strand). Cytogenetic location: 11p11.2.
Variant type: Duplication.
Coding change: c.3297dup on transcript NM_000256.3 (MANE Select); coding-DNA position 3297, one base duplicated (G; older notation c.3297dupG).
Protein change: p.Tyr1100fs; shifts the reading frame from tyrosine 1100.
Genome position (GRCh38, 1-based): chr11:47,333,227, C duplicated on the plus strand (G on the coding strand, the reverse complement: MYBPC3 is on the minus strand); the first of 5 consecutive C bases (chr11:47,333,227-47,333,231); duplicating any one gives the same sequence. VCF-style (leftmost placement, unchanged base first): chr11-47333226-A-AC. GRCh37 (hg19) VCF-style: chr11-47354777-A-AC.
Other names: p.Tyr1100ValfsX49; c.3297dupG (NM_000256.3); short protein forms Y1100fs.
Identifiers: ClinVar variation 42702 (VCV000042702.17), dbSNP rs397516014, ClinGen allele CA013831.
Genomic context (GRCh38, chr11:47,333,226, plus strand): 5'-ACGTGGGGACCCCAGACCCTGGGCTCACCATGGTCTTCTTGTCGGCTTTCTGCACTGTGT[A>AC]CCCCCAGAGCTCCGTGTTGCCGACATCCTGGGGTGGCTTCCACTCCAGAGCCACATTAAG-3'

ClinVar aggregate classification (germline): Pathogenic/Likely pathogenic. Review status: criteria provided, multiple submitters, no conflicts (2 of 4 stars). 4 submissions from 4 submitters: Pathogenic (3); Likely pathogenic (1). Last evaluated 2025-10-07.

Conditions:
MYBPC3-related disorder. Also called: MYBPC3-related disorders; MYBPC3-related condition; MYBPC3-related disease.
Hypertrophic cardiomyopathy. Also called: HYPERTROPHIC MYOCARDIOPATHY. Identifiers: Orphanet 217569, MedGen C0007194, MeSH D002312, MONDO:0005045, HP:0001639.

Submissions (4):

Labcorp Genetics (formerly Invitae), Labcorp
Classification: Pathogenic for Hypertrophic cardiomyopathy. Last evaluated: 2025-10-07. Review status: criteria provided, single submitter. Criteria: Invitae Variant Classification Sherloc (09022015). Collection method: clinical testing. Allele origin: germline.
Comment: This sequence change creates a premature translational stop signal (p.Tyr1100Valfs*49) in the MYBPC3 gene. It is expected to result in an absent or disrupted protein product. Loss-of-function variants in MYBPC3 are known to be pathogenic (PMID: 19574547). This variant is present in population databases (rs397516014, gnomAD 0.02%). This premature translational stop signal has been observed in individual(s) with hypertrophic cardiomyopathy (PMID: 27532257). ClinVar contains an entry for this variant (Variation ID: 42702). For these reasons, this variant has been classified as Pathogenic.

Blueprint Genetics
Classification: Pathogenic for MYBPC3-related disorders. Last evaluated: 2022-05-20. Review status: criteria provided, single submitter. Criteria: ACMG Guidelines, 2015. Collection method: clinical testing. Allele origin: germline. Affected: yes. Observed: 5 variant alleles.

Stanford Center for Inherited Cardiovascular Disease, Stanford University
Classification: Likely pathogenic. Last evaluated: 2013-08-29. Review status: criteria provided, single submitter. Criteria: ACMG Guidelines, 2015. Collection method: provider interpretation. Allele origin: germline.

Laboratory for Molecular Medicine, Mass General Brigham Personalized Medicine
Classification: Pathogenic for Hypertrophic cardiomyopathy. Last evaluated: 2012-02-13. Review status: criteria provided, single submitter. Criteria: LMM Criteria. Collection method: clinical testing. Allele origin: germline. Observed: 4 variant alleles.
Comment: This frameshift variant is predicted to alter the protein?s amino acid sequence beginning at position 1100 and lead to a premature termination codon 49 amino acids downstream. This alteration is then predicted to lead to a truncate d or absent protein. Heterozygous loss of function of the MYBPC3 gene is an esta blished disease mechanism in HCM, which makes it highly likely that this variant is pathogenic.

Literature cited by the submitters: PubMed 19574547 (cited by Labcorp Genetics (formerly Invitae), Labcorp); PubMed 27532257 (cited by Labcorp Genetics (formerly Invitae), Labcorp).